The following is an entry in ClinVar:

ClinVar aggregate classification (germline): Uncertain significance (1 of 4 stars; one submission).

Conditions:
Epidermolysis bullosa simplex 5B, with muscular dystrophy (EBS5B). Also called: Epidermolysis bullosa simplex with muscular dystrophy; EPIDERMOLYSIS BULLOSA SIMPLEX AND LIMB-GIRDLE MUSCULAR DYSTROPHY. Identifiers: Orphanet 257, MedGen C2931072, MONDO:0009181, OMIM 226670.
Epidermolysis bullosa simplex 5C, with pyloric atresia (EBS5C). Also called: PLEC1-Related Epidermolysis Bullosa with Pyloric Atresia; PLEC-Related Epidermolysis Bullosa with Pyloric Atresia; Epidermolysis bullosa simplex with pyloric atresia. Identifiers: Orphanet 158684, MedGen C2677349, MONDO:0012807, OMIM 612138.
Autosomal recessive limb-girdle muscular dystrophy type 2Q (LGMDR17). Also called: MUSCULAR DYSTROPHY, LIMB-GIRDLE, AUTOSOMAL RECESSIVE 17. Identifiers: Orphanet 254361, MedGen C3150989, MONDO:0013390, OMIM 613723.
Epidermolysis bullosa simplex, Ogna type (EBS5A). Also called: Pidermolysis bullosa simplex 5A, Ogna type; EPIDERMOLYSIS BULLOSA SIMPLEX 5A, OGNA TYPE. Identifiers: Orphanet 79401, MedGen C0432317, MONDO:0007555, OMIM 131950.
Epidermolysis bullosa simplex with nail dystrophy (EBS5D). Identifiers: MedGen C4225309, MONDO:0014661, OMIM 616487.

Submission:

Labcorp Genetics (formerly Invitae), Labcorp
Classification: Uncertain significance for Autosomal recessive limb-girdle muscular dystrophy type 2Q; Epidermolysis bullosa simplex, Ogna type; Epidermolysis bullosa simplex with nail dystrophy; Epidermolysis bullosa simplex 5C, with pyloric atresia; Epidermolysis bullosa simplex 5B, with muscular dystrophy. Last evaluated: 2022-01-31. Review status: criteria provided, single submitter. Criteria: Invitae Variant Classification Sherloc (09022015). Collection method: clinical testing. Allele origin: germline.
Comment: In summary, the available evidence is currently insufficient to determine the role of this variant in disease. Therefore, it has been classified as a Variant of Uncertain Significance. Algorithms developed to predict the effect of missense changes on protein structure and function (SIFT, PolyPhen-2, Align-GVGD) all suggest that this variant is likely to be tolerated. This variant has not been reported in the literature in individuals affected with PLEC-related conditions. This variant is not present in population databases (gnomAD no frequency). This sequence change replaces alanine, which is neutral and non-polar, with threonine, which is neutral and polar, at codon 2517 of the PLEC protein (p.Ala2517Thr).

NM_201384.3(PLEC):c.7468G>A (p.Ala2490Thr)

Gene: PLEC (plectin; minus strand). Cytogenetic location: 8q24.3.
Variant type: single nucleotide variant.
Coding change: c.7468G>A on transcript NM_201384.3 (MANE Select); coding-DNA position 7468, G replaced by A.
Protein change: p.Ala2490Thr; replaces alanine 2490 with threonine.
Molecular consequence: missense variant.
Genome position (GRCh38, 1-based): chr8:143,922,353, C>T on the plus strand (G>A on the coding strand, the complement: PLEC is on the minus strand). VCF-style: chr8-143922353-C-T. GRCh37 (hg19) VCF-style: chr8-144996521-C-T.
Other names: c.7549G>A, p.Ala2517Thr (NM_000445.5); c.7426G>A, p.Ala2476Thr (NM_201378.4); c.7402G>A, p.Ala2468Thr (NM_201379.3); c.7879G>A, p.Ala2627Thr (NM_201380.4); c.7372G>A, p.Ala2458Thr (NM_201381.3); c.7468G>A, p.Ala2490Thr (NM_201382.4); c.7480G>A, p.Ala2494Thr (NM_201383.3); short protein forms A2458T, A2476T, A2468T, A2490T, A2517T, A2494T, A2627T.
Identifiers: ClinVar variation 1389563 (VCV001389563.6), dbSNP rs1554689498, ClinGen allele CA372525149.
Genomic context (GRCh38, chr8:143,922,353, plus strand): 5'-CGATGAAGCGCTCCCGCTGTAGCAGGCTGTCCTTTTCAGAGAGGAAGCTTTGCTGCAGGG[C>T]CTGCGTCTCCTGCAGCAGCTGCTCCTGCTGCACCGTCTGCATCTGCAGAAGAAGAGGGTG-3'
Protein context (NP_958786.1, residues 2480-2500): QQEQLLQETQ[Ala2490Thr]LQQSFLSEKD